The following is an entry in ClinVar:

ClinVar aggregate classification (germline): Uncertain significance. Review status: criteria provided, multiple submitters, no conflicts (2 of 4 stars). 3 submissions from 3 submitters: Uncertain significance (3). Last evaluated 2026-01-20.

Conditions:
Hereditary cancer-predisposing syndrome. Also called: Neoplastic Syndromes, Hereditary; Hereditary neoplastic syndrome; Tumor predisposition; Hereditary Cancer Syndrome. Identifiers: Orphanet 140162, MedGen C0027672, MeSH D009386, MONDO:0015356.
POLD1-related polyposis and colorectal cancer syndrome (CRCS10). Also called: Colorectal cancer 10; COLORECTAL CANCER, SUSCEPTIBILITY TO, ON CHROMOSOME 19q; Colorectal cancer, susceptibility to, 10. Identifiers: Orphanet 220460, MedGen C2675481, MONDO:0012953, OMIM 612591.

Allele frequency attached by ClinVar (database versions not stated): ExAC 0.00001; gnomAD exomes 0.00001; TOPMed 0.00001; gnomAD 0.00002.
gnomAD v4.1: 14 of 1,610,816 alleles (0.00087%); highest among the groups gnomAD compares: East Asian, 0.0022%; no homozygotes.

Submissions (3):

Labcorp Genetics (formerly Invitae), Labcorp
Classification: Uncertain significance for POLD1-related polyposis and colorectal cancer syndrome. Last evaluated: 2026-01-20. Review status: criteria provided, single submitter. Criteria: Invitae Variant Classification Sherloc (09022015). Collection method: clinical testing. Allele origin: germline.
Comment: This sequence change replaces arginine, which is basic and polar, with tryptophan, which is neutral and slightly polar, at codon 1097 of the POLD1 protein (p.Arg1097Trp). The frequency data for this variant in the population databases is considered unreliable, as metrics indicate poor data quality at this position in the gnomAD database. This variant has not been reported in the literature in individuals affected with POLD1-related conditions. ClinVar contains an entry for this variant (Variation ID: 469335). Invitae Evidence Modeling of protein sequence and biophysical properties (such as structural, functional, and spatial information, amino acid conservation, physicochemical variation, residue mobility, and thermodynamic stability) indicates that this missense variant is not expected to disrupt POLD1 protein function with a negative predictive value of 80%. In summary, the available evidence is currently insufficient to determine the role of this variant in disease. Therefore, it has been classified as a Variant of Uncertain Significance.

Ambry Genetics
Classification: Uncertain significance for Hereditary cancer-predisposing syndrome. Last evaluated: 2025-10-26. Review status: criteria provided, single submitter. Criteria: Ambry Variant Classification Scheme 2023. Collection method: clinical testing. Allele origin: germline.
Comment: The p.R1097W variant (also known as c.3289C>T), located in coding exon 26 of the POLD1 gene, results from a C to T substitution at nucleotide position 3289. The arginine at codon 1097 is replaced by tryptophan, an amino acid with dissimilar properties. This amino acid position is conserved. In addition, this alteration is predicted to be tolerated by in silico analysis. Since supporting evidence is limited at this time, the clinical significance of this alteration remains unclear.

Quest Diagnostics Nichols Institute San Juan Capistrano
Classification: Uncertain significance. Last evaluated: 2018-12-07. Review status: criteria provided, single submitter. Criteria: Quest Diagnostics criteria. Collection method: clinical testing. Allele origin: germline.

NM_002691.4(POLD1):c.3289C>T (p.Arg1097Trp)

Gene: POLD1 (DNA polymerase delta 1, catalytic subunit; plus strand). Cytogenetic location: 19q13.33.
Variant type: single nucleotide variant.
Coding change: c.3289C>T on transcript NM_002691.4 (MANE Select); coding-DNA position 3289, C replaced by T.
Protein change: p.Arg1097Trp; replaces arginine 1097 with tryptophan.
Molecular consequence: missense variant. On other transcripts: non-coding transcript variant (1).
Genome position (GRCh38, 1-based): chr19:50,417,912, C>T. VCF-style: chr19-50417912-C-T. GRCh37 (hg19) VCF-style: chr19-50921169-C-T.
Other names: c.3289C>T, p.Arg1097Trp (NM_001256849.1); c.3367C>T, p.Arg1123Trp (NM_001308632.1); short protein forms R1097W, R1123W.
Identifiers: ClinVar variation 469335 (VCV000469335.15), dbSNP rs755297873, ClinGen allele CA9596837.
Genomic context (GRCh38, chr19:50,417,912, plus strand): 5'-CCCATCTTCTACATGCGCAAGAAGGTGCGGAAGGACCTGGAAGACCAGGAGCAGCTCCTG[C>T]GGCGCTTCGGACCCCCTGGACCTGAGGCCTGGTGACCTTGCAAGCATCCCATGGGGCGGG-3'
Protein context (NP_002682.2, residues 1087-1107): KDLEDQEQLL[Arg1097Trp]RFGPPGPEAW